The following is an entry in ClinVar:

ClinVar aggregate classification (germline): Uncertain significance (1 of 4 stars; one submission).

Conditions:
Brugada syndrome. Also called: Sudden unexplained nocturnal death syndrome; Sudden unexpected nocturnal death syndrome; Sudden Unexplained Death Syndrome; Sudden Unexplained Nocturnal Death Syndrome (SUNDS). Identifiers: Orphanet 130, MedGen C1142166, MONDO:0015263.

gnomAD v4.1: 2 of 1,510,146 alleles (0.00013%); highest among the groups gnomAD compares: Non-Finnish European, 0.00018%; no homozygotes.

Submission:

Labcorp Genetics (formerly Invitae), Labcorp
Classification: Uncertain significance for Brugada syndrome. Last evaluated: 2024-05-21. Review status: criteria provided, single submitter. Criteria: Invitae Variant Classification Sherloc (09022015). Collection method: clinical testing. Allele origin: germline.
Comment: This sequence change affects codon 585 of the SCN10A mRNA. It is a 'silent' change, meaning that it does not change the encoded amino acid sequence of the SCN10A protein. This variant also falls at the last nucleotide of exon 11, which is part of the consensus splice site for this exon. This variant is not present in population databases (gnomAD no frequency). This variant has not been reported in the literature in individuals affected with SCN10A-related conditions. Variants that disrupt the consensus splice site are a relatively common cause of aberrant splicing (PMID: 17576681, 9536098). Algorithms developed to predict the effect of sequence changes on RNA splicing suggest that this variant may disrupt the consensus splice site. In summary, the available evidence is currently insufficient to determine the role of this variant in disease. Therefore, it has been classified as a Variant of Uncertain Significance.

Literature cited by the submitters: PubMed 17576681; PubMed 9536098.

NM_006514.4(SCN10A):c.1755G>C (p.Ser585=)

Gene: SCN10A (sodium voltage-gated channel alpha subunit 10; minus strand). Cytogenetic location: 3p22.2.
Variant type: single nucleotide variant.
Coding change: c.1755G>C on transcript NM_006514.4 (MANE Select); coding-DNA position 1755, G replaced by C.
Protein change: p.Ser585=; no amino-acid change (serine 585 retained).
Molecular consequence: synonymous variant. On other transcripts: intron variant (1).
Genome position (GRCh38, 1-based): chr3:38,752,219, C>G on the plus strand (G>C on the coding strand, the complement: SCN10A is on the minus strand). VCF-style: chr3-38752219-C-G. GRCh37 (hg19) VCF-style: chr3-38793710-C-G.
Other names: c.1755G>C, p.Ser585= (NM_001293306.2); c.1462-2035G>C (NM_001293307.2).
Identifiers: ClinVar variation 3653972 (VCV003653972.2).